The following is an entry in ClinVar:

ClinVar aggregate classification (germline): Uncertain significance (1 of 4 stars; one submission).

Conditions:
Dyskeratosis congenita. Identifiers: Orphanet 1775, MedGen C0265965, MONDO:0015780.

Submission:

Sema4
Classification: Uncertain significance for Dyskeratosis congenita. Last evaluated: 2021-09-13. Review status: criteria provided, single submitter. Criteria: Sema4 Curation Guidelines. Collection method: curation. Allele origin: germline.
Comment: The TINF2 c.280G>C (p.V94L) variant has not been reported in the literature to our knowledge. It was not observed in the large and broad cohorts of the Genome Aggregation Database (PMID: 32461654). The variant has not been reported in ClinVar. In silico tools suggest the impact of the variant on protein function is benign, though these predictions have not been confirmed by functional studies. The evidence is insufficient to meet ACMG/AMP criteria for classifying the variant as benign or pathogenic. Thus, the clinical significance of this variant is currently uncertain.

NM_001099274.3(TINF2):c.280G>C (p.Val94Leu)

Gene: TINF2 (TERF1 interacting nuclear factor 2; minus strand). Cytogenetic location: 14q12.
Variant type: single nucleotide variant.
Coding change: c.280G>C on transcript NM_001099274.3 (MANE Select); coding-DNA position 280, G replaced by C.
Protein change: p.Val94Leu; replaces valine 94 with leucine.
Molecular consequence: missense variant. On other transcripts: intron variant (1).
Genome position (GRCh38, 1-based): chr14:24,241,907, C>G on the plus strand (G>C on the coding strand, the complement: TINF2 is on the minus strand). VCF-style: chr14-24241907-C-G. GRCh37 (hg19) VCF-style: chr14-24711113-C-G.
Other names: c.280G>C, p.Val94Leu (NM_012461.3); c.193-131G>C (NM_001363668.2); short protein forms V94L.
Identifiers: ClinVar variation 1692546 (VCV001692546.1), dbSNP rs754157164, ClinGen allele CA389233798.
Genomic context (GRCh38, chr14:24,241,907, plus strand): 5'-CCAAGTGTAACTGGGGTCAGGGCTTGTTCCGGGGATTACTCACAGCCTTGGGATCCCGCA[C>G]TATAGGTCCAGATTCTGGAAAGTGGTGATTCAGGGCTTTCAGGACTTGGGCCCAAGGCCG-3'
Protein context (NP_001092744.1, residues 84-104): NHHFPESGPI[Val94Leu]RDPKATKQDL